The following is an entry in ClinVar:

ClinVar aggregate classification (germline): Uncertain significance. Review status: criteria provided, multiple submitters, no conflicts (2 of 4 stars). 2 submissions from 2 submitters: Uncertain significance (2). Last evaluated 2026-01-14.

Conditions:
Familial cancer of breast. Also called: hereditary breast carcinoma; Hereditary breast cancer; BREAST CANCER, FAMILIAL. Identifiers: Orphanet 227535, MedGen C0346153, MONDO:0016419, OMIM 114480. Disease mechanism: loss of function.
Hereditary cancer-predisposing syndrome. Also called: Hereditary neoplastic syndrome; Tumor predisposition; Neoplastic Syndromes, Hereditary; Hereditary Cancer Syndrome. Identifiers: Orphanet 140162, MedGen C0027672, MeSH D009386, MONDO:0015356.

Submissions (2):

Labcorp Genetics (formerly Invitae), Labcorp
Classification: Uncertain significance for Familial cancer of breast. Last evaluated: 2026-01-14. Review status: criteria provided, single submitter. Criteria: Invitae Variant Classification Sherloc (09022015). Collection method: clinical testing. Allele origin: germline.
Comment: This sequence change replaces serine, which is neutral and polar, with glycine, which is neutral and non-polar, at codon 251 of the BARD1 protein (p.Ser251Gly). This variant is not present in population databases (gnomAD no frequency). This variant has not been reported in the literature in individuals affected with BARD1-related conditions. ClinVar contains an entry for this variant (Variation ID: 2861797). An algorithm developed to predict the effect of missense changes on protein structure and function (PolyPhen-2) suggests that this variant is likely to be tolerated. In summary, the available evidence is currently insufficient to determine the role of this variant in disease. Therefore, it has been classified as a Variant of Uncertain Significance.

Ambry Genetics
Classification: Uncertain significance for Hereditary cancer-predisposing syndrome. Last evaluated: 2024-06-16. Review status: criteria provided, single submitter. Criteria: Ambry Variant Classification Scheme 2023. Collection method: clinical testing. Allele origin: germline.
Comment: The p.S251G variant (also known as c.751A>G), located in coding exon 4 of the BARD1 gene, results from an A to G substitution at nucleotide position 751. The serine at codon 251 is replaced by glycine, an amino acid with similar properties. This amino acid position is conserved. In addition, this alteration is predicted to be tolerated by in silico analysis. Based on the available evidence, the clinical significance of this variant remains unclear.

NM_000465.4(BARD1):c.751A>G (p.Ser251Gly)

Gene: BARD1 (BRCA1 associated RING domain 1; minus strand). Cytogenetic location: 2q35.
Variant type: single nucleotide variant.
Coding change: c.751A>G on transcript NM_000465.4 (MANE Select); coding-DNA position 751, A replaced by G.
Protein change: p.Ser251Gly; replaces serine 251 with glycine.
Molecular consequence: missense variant. On other transcripts: non-coding transcript variant (2), intron variant (3).
Genome position (GRCh38, 1-based): chr2:214,781,123, T>C on the plus strand (A>G on the coding strand, the complement: BARD1 is on the minus strand). VCF-style: chr2-214781123-T-C. GRCh37 (hg19) VCF-style: chr2-215645847-T-C.
Other names: c.751A>G (NM_000465.2); c.694A>G, p.Ser232Gly (NM_001282543.2); c.158+28289A>G (NM_001282548.2); c.215+15938A>G (NM_001282545.2); c.364+11174A>G (NM_001282549.2); short protein forms S232G, S251G.
Identifiers: ClinVar variation 2861797 (VCV002861797.4), dbSNP rs2469508832, ClinGen allele CA350456076.